The following is an entry in ClinVar:

ClinVar aggregate classification (germline): Uncertain significance. Review status: criteria provided, multiple submitters, no conflicts (2 of 4 stars). 5 submissions from 5 submitters: Uncertain significance (5). Last evaluated 2026-07-22.

Conditions:
Cardiomyopathy (CMYO). Also called: Cardiomyopathies. Identifiers: Orphanet 167848, MedGen C0878544, MONDO:0004994, HP:0001638. Inheritance: Various modes of inheritance.
Arrhythmogenic right ventricular dysplasia 2. Identifiers: MedGen C1832931.
Ventricular arrhythmias due to cardiac ryanodine receptor calcium release deficiency syndrome. Also called: Autosomal dominant cardiac arrhythmia (Kuhn). Identifiers: MedGen C5542154, MONDO:0020745, OMIM 115000.
Catecholaminergic polymorphic ventricular tachycardia 1. Also called: VENTRICULAR TACHYCARDIA, CATECHOLAMINERGIC POLYMORPHIC, 1, WITH OR WITHOUT ATRIAL DYSFUNCTION AND/OR DILATED CARDIOMYOPATHY; RYR2-Related Catecholaminergic Polymorphic Ventricular Tachycardia; VENTRICULAR TACHYCARDIA, STRESS-INDUCED POLYMORPHIC 1. Identifiers: Orphanet 3286, MedGen C1631597, MONDO:0011484, OMIM 604772.
Cardiovascular phenotype. Identifiers: MedGen CN230736.
Catecholaminergic polymorphic ventricular tachycardia (CVPT). Also called: Catecholamine-induced polymorphic ventricular tachycardia. Identifiers: Orphanet 3286, MedGen C5574922, MONDO:0017990.

Allele frequency attached by ClinVar (database versions not stated): gnomAD exomes below 0.00001; TOPMed 0.00002; gnomAD 0.00001; ESP Exome Variant Server 0.00008.
gnomAD v4.1: 3 of 1,613,416 alleles (0.00019%); highest among the groups gnomAD compares: African/African-American, 0.0013%; no homozygotes.

Submissions (5):

Ambry Genetics
Classification: Uncertain significance for Cardiovascular phenotype. Last evaluated: 2026-07-22. Review status: criteria provided, single submitter. Criteria: Ambry Variant Classification Scheme 2023. Collection method: clinical testing. Allele origin: germline.
Comment: The p.R4257Q variant (also known as c.12770G>A), located in coding exon 90 of the RYR2 gene, results from a G to A substitution at nucleotide position 12770. The arginine at codon 4257 is replaced by glutamine, an amino acid with highly similar properties. This variant was reported in an individual with benign epilepsy of childhood with centrotemporal spikes (BECTS) and in another individual with sudden infant death (Ma MG et al. Front Neurosci, 2021 Apr;15:629610; Kotta MC et al. J Am Heart Assoc, 2023 Sep;12:e029100). This amino acid position is not well conserved in available vertebrate species. In addition, the in silico prediction for this alteration is inconclusive. Based on the available evidence, the clinical significance of this variant remains unclear.

Color Diagnostics, LLC DBA Color Health
Classification: Uncertain significance for Cardiomyopathy. Last evaluated: 2025-11-04. Review status: criteria provided, single submitter. Criteria: ACMG Guidelines, 2015. Collection method: clinical testing. Allele origin: germline.
Comment: This missense variant replaces arginine with glutamine at codon 4257 of the RYR2 protein. Computational prediction suggests that this variant may not impact protein structure and function. To our knowledge, functional studies have not been reported for this variant. This variant has been reported in an infant affected with sudden death and the child's mother affected with unspecified cardiomyopathy (PMID: 37589201). This variant has been identified in 3/1613416 chromosomes in the general population by the Genome Aggregation Database (gnomAD). The available evidence is insufficient to determine the role of this variant in disease conclusively. Therefore, this variant is classified as a Variant of Uncertain Significance.

Labcorp Genetics (formerly Invitae), Labcorp
Classification: Uncertain significance for Catecholaminergic polymorphic ventricular tachycardia 1. Last evaluated: 2025-07-06. Review status: criteria provided, single submitter. Criteria: Invitae Variant Classification Sherloc (09022015). Collection method: clinical testing. Allele origin: germline.
Comment: This sequence change replaces arginine, which is basic and polar, with glutamine, which is neutral and polar, at codon 4257 of the RYR2 protein (p.Arg4257Gln). The frequency data for this variant in the population databases is considered unreliable, as metrics indicate poor data quality at this position in the gnomAD database. This missense change has been observed in individual(s) with RYR2-related conditions (PMID: 33897349, 37589201). ClinVar contains an entry for this variant (Variation ID: 922515). Invitae Evidence Modeling of protein sequence and biophysical properties (such as structural, functional, and spatial information, amino acid conservation, physicochemical variation, residue mobility, and thermodynamic stability) indicates that this missense variant is not expected to disrupt RYR2 protein function with a negative predictive value of 95%. In summary, the available evidence is currently insufficient to determine the role of this variant in disease. Therefore, it has been classified as a Variant of Uncertain Significance.

All of Us Research Program, National Institutes of Health
Classification: Uncertain significance for Catecholaminergic polymorphic ventricular tachycardia. Last evaluated: 2023-08-23. Review status: criteria provided, single submitter. Criteria: ACMG Guidelines, 2015. Collection method: clinical testing. Allele origin: germline. Inheritance: Autosomal dominant inheritance. Observed: 1 variant allele, 1 heterozygote.
Comment: This missense variant replaces arginine with glutamine at codon 4257 of the RYR2 protein. Computational prediction tools and conservation analyses are inconclusive regarding the impact of this variant on protein function. Computational splicing tools suggest that this variant may not impact RNA splicing. To our knowledge, functional assays have not been performed for this variant nor has this variant been reported in individuals affected with cardiovascular disorders in the literature. This variant has not been identified in the general population by the Genome Aggregation Database (gnomAD). Available evidence is insufficient to determine the role of this variant in disease conclusively. Therefore, this variant is classified as a Variant of Uncertain Significance.

This study involves interpretation of variants in research participants for the purpose of population health screening. Participant phenotype was not available at the time of variant classification. Additional details can be found in publication PMID: 35346344, PMCID: PMC8962531

Fulgent Genetics
Classification: Uncertain significance for Ventricular arrhythmias due to cardiac ryanodine receptor calcium release deficiency syndrome; Catecholaminergic polymorphic ventricular tachycardia 1. Last evaluated: 2021-10-14. Review status: criteria provided, single submitter. Criteria: ACMG Guidelines, 2015. Collection method: clinical testing. Allele origin: unknown.

Literature cited by the submitters: PubMed 33897349 (cited by Ambry Genetics and Labcorp Genetics (formerly Invitae), Labcorp); PubMed 37589201 (cited by 3 submitters).

NM_001035.3(RYR2):c.12770G>A (p.Arg4257Gln)

Genes: RYR2 (ryanodine receptor 2; plus strand), LOC126806068 (BRD4-independent group 4 enhancer GRCh37_chr1:237947411-237948610; plus strand). Cytogenetic location: 1q43.
Variant type: single nucleotide variant.
Coding change: c.12770G>A on transcript NM_001035.3 (MANE Select); coding-DNA position 12770, G replaced by A.
Protein change: p.Arg4257Gln; replaces arginine 4257 with glutamine.
Molecular consequence: missense variant.
Genome position (GRCh38, 1-based): chr1:237,784,482, G>A. VCF-style: chr1-237784482-G-A. GRCh37 (hg19) VCF-style: chr1-237947782-G-A.
Other names: c.12770G>A (NM_001035.2); short protein forms R4257Q.
Identifiers: ClinVar variation 922515 (VCV000922515.17), dbSNP rs371396204, ClinGen allele CA39827966.